The following is an entry in ClinVar:

GRCh38/hg38 2q11.2(chr2:96100812-97285797)x1

Genes: ADRA2B (adrenoceptor alpha 2B; minus strand), ANKRD23 (ankyrin repeat domain 23; minus strand), ANKRD36 (ankyrin repeat domain 36; plus strand), ANKRD39 (ankyrin repeat domain 39; minus strand), ARID5A (AT-rich interaction domain 5A; plus strand) and 118 more. Cytogenetic location: 2q11.2.
Variant type: copy number loss.
Change: copy number 1 (one copy instead of two) of chr2:96,100,812-97,285,797 (1.18 Mb, GRCh38 coordinates, 1-based), cytogenetic band 2q11.2.
Identifiers: ClinVar variation 57434 (VCV000057434.1).

ClinVar aggregate classification (germline): Pathogenic (1 of 4 stars; one submission).

Submission:

ISCA site 4
Classification: Pathogenic. Last evaluated: 2011-08-12. Review status: criteria provided, single submitter. Criteria: Kaminsky et al. (Genet Med. 2011). Collection method: clinical testing. Allele origin: unknown. Affected: yes. Observed: 1 variant allele.
Comment: Copy number variation identified through the course of routine clinical cytogenomic testing in postnatal populations. Clinical assertions have been curated as described in Kaminsky et al. 2011.